The following is an entry in ClinVar:

ClinVar aggregate classification (germline): Benign/Likely benign. Review status: criteria provided, multiple submitters, no conflicts (2 of 4 stars). 9 submissions from 9 submitters: Benign (5); Likely benign (3). 1 of the submissions does not count toward it. Last evaluated 2026-08-01.

Conditions:
Inborn genetic diseases. Identifiers: MedGen C0950123, MeSH D030342.
ANKRD11-related disorder. Also called: ANKRD11-related condition.
KBG syndrome (KBGS). Also called: ANKRD11-Related KBG Syndrome. Identifiers: Orphanet 2332, MedGen C0220687, MONDO:0007846, OMIM 148050.

Allele frequency attached by ClinVar (database versions not stated): 1000 Genomes Project 30x 0.00016; 1000 Genomes Project 0.00020; TOPMed 0.00049; gnomAD exomes 0.00054; ExAC 0.00055; gnomAD 0.00057 and 0.00058; ESP Exome Variant Server 0.00085.
gnomAD v4.1: 1,447 of 1,613,460 alleles (0.09%); highest among the groups gnomAD compares: Non-Finnish European, 0.11%; 1 homozygote.

Submissions (9):

CeGaT Center for Human Genetics Tuebingen
Classification: Likely benign. Last evaluated: 2026-08-01. Review status: criteria provided, single submitter. Criteria: CeGaT Center For Human Genetics Tuebingen Variant Classification Criteria Version 2. Collection method: clinical testing. Allele origin: germline. Affected: yes. Observed: 6 variant alleles.
Comment: ANKRD11: BP4, BS1

Labcorp Genetics (formerly Invitae), Labcorp
Classification: Benign for KBG syndrome. Last evaluated: 2026-01-11. Review status: criteria provided, single submitter. Criteria: Invitae Variant Classification Sherloc (09022015). Collection method: clinical testing. Allele origin: germline.

Blueprint Genetics
Classification: Likely benign. Last evaluated: 2024-11-22. Review status: criteria provided, single submitter. Criteria: ACMG Guidelines, 2015. Collection method: clinical testing. Allele origin: germline.

Athena Diagnostics
Classification: Benign. Last evaluated: 2024-10-15. Review status: criteria provided, single submitter. Criteria: Athena Diagnostics Criteria. Collection method: clinical testing. Allele origin: unknown.

Genome-Nilou Lab
Classification: Benign for KBG syndrome. Last evaluated: 2021-12-05. Review status: criteria provided, single submitter. Criteria: ACMG Guidelines, 2015. Collection method: clinical testing. Allele origin: germline. Affected: no.

Genetic Services Laboratory, University of Chicago
Classification: Likely benign. Last evaluated: 2020-01-09. Review status: criteria provided, single submitter. Criteria: ACMG Guidelines, 2015. Collection method: clinical testing. Allele origin: germline. Affected: no.

GeneDx
Classification: Benign. Last evaluated: 2019-04-08. Review status: criteria provided, single submitter. Criteria: GeneDx Variant Classification Process June 2021. Collection method: clinical testing. Allele origin: germline. Affected: yes.

Ambry Genetics
Classification: Benign for Inborn genetic diseases. Last evaluated: 2017-10-13. Review status: criteria provided, single submitter. Criteria: Ambry Variant Classification Scheme 2023. Collection method: clinical testing. Allele origin: germline.

PreventionGenetics, part of Exact Sciences
Classification: Likely benign for ANKRD11-related condition. Last evaluated: 2019-05-15. Review status: no assertion criteria provided. Collection method: clinical testing. Allele origin: germline. Not counted in ClinVar's aggregate classification.
Comment: This variant is classified as likely benign based on ACMG/AMP sequence variant interpretation guidelines (Richards et al. 2015 PMID: 25741868, with internal and published modifications).

Literature cited by the submitters: PubMed 35970914 (cited by Athena Diagnostics).

NM_013275.6(ANKRD11):c.2240C>T (p.Ser747Leu)

Gene: ANKRD11 (ankyrin repeat domain 11; minus strand). Cytogenetic location: 16q24.3.
Variant type: single nucleotide variant.
Coding change: c.2240C>T on transcript NM_013275.6 (MANE Select); coding-DNA position 2240, C replaced by T.
Protein change: p.Ser747Leu; replaces serine 747 with leucine.
Molecular consequence: missense variant.
Genome position (GRCh38, 1-based): chr16:89,284,302, G>A on the plus strand (C>T on the coding strand, the complement: ANKRD11 is on the minus strand). VCF-style: chr16-89284302-G-A. GRCh37 (hg19) VCF-style: chr16-89350710-G-A.
Other names: c.2240C>T (NM_013275.4); c.2240C>T, p.Ser747Leu (NM_001256182.2, NM_001256183.2); short protein forms S747L.
Identifiers: ClinVar variation 697522 (VCV000697522.55), dbSNP rs138898373, ClinGen allele CA8242612.